The following is an entry in ClinVar:

NM_000685.5(AGTR1):c.233del (p.Leu78fs)

Gene: AGTR1 (angiotensin II receptor type 1; plus strand). Cytogenetic location: 3q24.
Variant type: Deletion.
Coding change: c.233del on transcript NM_000685.5 (MANE Select); coding-DNA position 233, one base deleted (T; older notation c.233delT).
Protein change: p.Leu78fs; shifts the reading frame from leucine 78.
Molecular consequence: frameshift variant.
Genome position (GRCh38, 1-based): chr3:148,741,268, T deleted; the last of 5 consecutive T bases (chr3:148,741,264-148,741,268); deleting any one gives the same sequence. VCF-style (leftmost placement, unchanged base first): chr3-148741263-CT-C. GRCh37 (hg19) VCF-style: chr3-148459050-CT-C.
Other names: c.233del, p.Leu78fs (NM_001382736.1, NM_001382737.1, NM_004835.5 and 3 more transcripts); short protein forms L78fs.
Identifiers: ClinVar variation 1685512 (VCV001685512.4), dbSNP rs1380295297, ClinGen allele CA900489709.

ClinVar aggregate classification (germline): Pathogenic/Likely pathogenic. Review status: criteria provided, multiple submitters, no conflicts (2 of 4 stars). 2 submissions from 2 submitters: Pathogenic (1); Likely pathogenic (1). Last evaluated 2026-02-04.

Conditions:
Renal tubular dysgenesis of genetic origin. Also called: PRIMITIVE RENAL TUBULE SYNDROME. Identifiers: Orphanet 97369, MedGen C5681536, MONDO:0009970, OMIM 267430.

Submissions (2):

Dasa
Classification: Likely pathogenic. Last evaluated: 2026-02-04. Review status: criteria provided, single submitter. Criteria: DASA Assertion Criteria. Collection method: clinical testing. Allele origin: germline.
Comment: NM_000685.5(AGTR1):c.233del (p.Leu78Tyrfs*2) is a frameshift variant in AGTR1 predicted to alter the reading frame and introduce a premature termination codon and is predicted to result in an absent or altered protein product. Loss of function is an established disease mechanism for AGTR1-associated disorders. Also, this variant is absent from population databases. Based on the currently available evidence, this variant is classified as likely pathogenic.

Mendelics
Classification: Pathogenic for Renal tubular dysgenesis of genetic origin. Last evaluated: 2025-10-22. Review status: criteria provided, single submitter. Criteria: Mendelics Assertion Criteria 2019. Collection method: clinical testing. Allele origin: germline.
Comment: Variant NM_000685.5(AGTR1):c.233del (p.Leu78fs) remains absent in GnomAD4.1.0. This variant has not been previously described in the medical literature. The combination of the molecular mechanism, with the likely loss of function of the mutated allele, characteristics of the region where it is found, and the correlation of this gene with clinical symptoms, indicate that this variant is pathogenic. Reported in trans with variant Clinvar ID: 1685513.